The following is an entry in ClinVar:

NM_182972.3(IRF2BP2):c.301C>G (p.His101Asp)

Genes: IRF2BP2 (interferon regulatory factor 2 binding protein 2; minus strand), LOC129932812 (ATAC-STARR-seq lymphoblastoid silent region 1977; plus strand). Cytogenetic location: 1q42.3.
Variant type: single nucleotide variant.
Coding change: c.301C>G on transcript NM_182972.3 (MANE Select); coding-DNA position 301, C replaced by G.
Protein change: p.His101Asp; replaces histidine 101 with aspartic acid.
Molecular consequence: missense variant.
Genome position (GRCh38, 1-based): chr1:234,609,194, G>C on the plus strand (C>G on the coding strand, the complement: IRF2BP2 is on the minus strand). VCF-style: chr1-234609194-G-C. GRCh37 (hg19) VCF-style: chr1-234744940-G-C.
Other names: c.301C>G, p.His101Asp (NM_001077397.1); short protein forms H101D.
Identifiers: ClinVar variation 1516882 (VCV001516882.6), dbSNP rs887367984, ClinGen allele CA345311252.

ClinVar aggregate classification (germline): Uncertain significance (1 of 4 stars; one submission).

Submission:

Labcorp Genetics (formerly Invitae), Labcorp
Classification: Uncertain significance. Last evaluated: 2022-08-23. Review status: criteria provided, single submitter. Criteria: Invitae Variant Classification Sherloc (09022015). Collection method: clinical testing. Allele origin: germline.
Comment: This sequence change replaces histidine, which is basic and polar, with aspartic acid, which is acidic and polar, at codon 101 of the IRF2BP2 protein (p.His101Asp). In summary, the available evidence is currently insufficient to determine the role of this variant in disease. Therefore, it has been classified as a Variant of Uncertain Significance. Algorithms developed to predict the effect of missense changes on protein structure and function are either unavailable or do not agree on the potential impact of this missense change (SIFT: "Tolerated"; PolyPhen-2: "Possibly Damaging"; Align-GVGD: "Class C0"). ClinVar contains an entry for this variant (Variation ID: 1516882). This variant has not been reported in the literature in individuals affected with IRF2BP2-related conditions. This variant is not present in population databases (gnomAD no frequency).